The following is an entry in ClinVar:

ClinVar aggregate classification (germline): Benign/Likely benign. Review status: criteria provided, multiple submitters, no conflicts (2 of 4 stars). 2 submissions from 2 submitters: Benign (1); Likely benign (1). Last evaluated 2025-09-17.

Allele frequency attached by ClinVar (database versions not stated): 1000 Genomes Project 30x 0.00047; 1000 Genomes Project 0.00060.
gnomAD v4.1: 83 of 1,613,924 alleles (0.0051%); highest among the groups gnomAD compares: East Asian, 0.14%; 1 homozygote.

Submissions (2):

Labcorp Genetics (formerly Invitae), Labcorp
Classification: Benign. Last evaluated: 2025-09-17. Review status: criteria provided, single submitter. Criteria: Invitae Variant Classification Sherloc (09022015). Collection method: clinical testing. Allele origin: germline.

CeGaT Center for Human Genetics Tuebingen
Classification: Likely benign. Last evaluated: 2024-06-01. Review status: criteria provided, single submitter. Criteria: CeGaT Center For Human Genetics Tuebingen Variant Classification Criteria Version 2. Collection method: clinical testing. Allele origin: germline. Affected: yes. Observed: 1 variant allele.
Comment: SON: BP4, BS1

NM_138927.4(SON):c.1487C>T (p.Ala496Val)

Genes: MIR6501 (microRNA 6501; plus strand), SON (SON DNA and RNA binding protein; plus strand). Cytogenetic location: 21q22.11.
Variant type: single nucleotide variant.
Coding change: c.1487C>T on transcript NM_138927.4 (MANE Select); coding-DNA position 1487, C replaced by T.
Protein change: p.Ala496Val; replaces alanine 496 with valine.
Molecular consequence: missense variant. On other transcripts: non-coding transcript variant (2), intron variant (1).
Genome position (GRCh38, 1-based): chr21:33,550,718, C>T. VCF-style: chr21-33550718-C-T. GRCh37 (hg19) VCF-style: chr21-34923024-C-T.
Other names: c.1487C>T, p.Ala496Val (NM_001291411.2, NM_032195.3); c.244+4339C>T (NM_001291412.3); short protein forms A496V.
Identifiers: ClinVar variation 1634257 (VCV001634257.26), dbSNP rs376954101, ClinGen allele CA10008904.